The following is an entry in ClinVar:

ClinVar aggregate classification (germline): Benign. Review status: criteria provided, multiple submitters, no conflicts (2 of 4 stars). 10 submissions from 10 submitters: Benign (8). 2 of the submissions do not count toward it. Last evaluated 2026-02-04.

Conditions:
Short-rib thoracic dysplasia 6 with or without polydactyly (SRTD6). Also called: POLYDACTYLY WITH NEONATAL CHONDRODYSTROPHY, TYPE II; SHORT RIB-POLYDACTYLY SYNDROME, TYPE IIA; Majewski Syndrome; SHORT-RIB THORACIC DYSPLASIA 6 WITH POLYDACTYLY; SHORT-RIB THORACIC DYSPLASIA 6 WITHOUT POLYDACTYLY. Identifiers: MedGen C0024507, MONDO:0009894, OMIM 263520.

Allele frequency attached by ClinVar (database versions not stated): 1000 Genomes Project 30x 0.78919; TOPMed 0.79229; ESP Exome Variant Server 0.79230; 1000 Genomes Project 0.79533; gnomAD 0.79844 and 0.80542; ExAC 0.87222; gnomAD exomes 0.87761 and 0.88452.
gnomAD v4.1: 1,410,943 of 1,609,706 alleles (88%); highest among the groups gnomAD compares: South Asian, 92%; 622,231 homozygotes.

Submissions (10):

Labcorp Genetics (formerly Invitae), Labcorp
Classification: Benign for Short-rib thoracic dysplasia 6 with or without polydactyly. Last evaluated: 2026-02-04. Review status: criteria provided, single submitter. Criteria: Invitae Variant Classification Sherloc (09022015). Collection method: clinical testing. Allele origin: germline.

Blueprint Genetics
Classification: Benign. Last evaluated: 2024-11-26. Review status: criteria provided, single submitter. Criteria: ACMG Guidelines, 2015. Collection method: clinical testing. Allele origin: germline.

Genome-Nilou Lab
Classification: Benign for Short-rib thoracic dysplasia 6 with or without polydactyly. Last evaluated: 2021-09-05. Review status: criteria provided, single submitter. Criteria: ACMG Guidelines, 2015. Collection method: clinical testing. Allele origin: germline. Affected: no.

Genome Diagnostics Laboratory, University Medical Center Utrecht
Classification: Benign for Short-rib thoracic dysplasia 6 with or without polydactyly. Last evaluated: 2016-07-26. Review status: criteria provided, single submitter. Criteria: ACGS Guidelines, 2013. Collection method: clinical testing. Allele origin: germline. Affected: yes. Study: VKGL Data-share Consensus.

GeneDx
Classification: Benign. Last evaluated: 2016-03-21. Review status: criteria provided, single submitter. Criteria: GeneDx Variant Classification (06012015). Collection method: clinical testing. Allele origin: germline. Affected: yes.
Comment: This variant is considered likely benign or benign based on one or more of the following criteria: it is a conservative change, it occurs at a poorly conserved position in the protein, it is predicted to be benign by multiple in silico algorithms, and/or has population frequency not consistent with disease.

Clinical Genetics DNA and cytogenetics Diagnostics Lab, Erasmus MC, Erasmus Medical Center
Classification: Benign for Short-rib thoracic dysplasia 6 with or without polydactyly. Last evaluated: 2015-09-21. Review status: criteria provided, single submitter. Criteria: ACGS Guidelines, 2013. Collection method: clinical testing. Allele origin: germline. Affected: yes. Study: VKGL Data-share Consensus.

Eurofins Ntd Llc (ga)
Classification: Benign. Last evaluated: 2013-03-06. Review status: criteria provided, single submitter. Criteria: EGL Classification Definitions 2015. Collection method: clinical testing. Allele origin: germline. Observed: 2 variant alleles, 2 homozygotes.

Breakthrough Genomics
Classification: Benign. Review status: criteria provided, single submitter. Criteria: ACMG Guidelines, 2015. Collection method: not provided. Allele origin: germline. Inheritance: Autosomal recessive inheritance. Affected: yes.

Clinical Genetics, Academic Medical Center
Classification: Benign. Review status: no assertion criteria provided. Collection method: clinical testing. Allele origin: germline. Affected: yes. Study: VKGL Data-share Consensus. Not counted in ClinVar's aggregate classification.

Diagnostic Laboratory, Department of Genetics, University Medical Center Groningen
Classification: Benign for Short-rib thoracic dysplasia 6 with or without polydactyly. Review status: no assertion criteria provided. Collection method: clinical testing. Allele origin: germline. Affected: yes. Study: VKGL Data-share Consensus. Not counted in ClinVar's aggregate classification.

NM_001199397.3(NEK1):c.2765-20G>A

Gene: NEK1 (NIMA related kinase 1; minus strand). Cytogenetic location: 4q33.
Variant type: single nucleotide variant.
Coding change: c.2765-20G>A on transcript NM_001199397.3 (MANE Select); 20 bases into the intron before coding-DNA position 2765, G replaced by A.
Molecular consequence: intron variant.
Genome position (GRCh38, 1-based): chr4:169,433,685, C>T on the plus strand (G>A on the coding strand, the complement: NEK1 is on the minus strand). VCF-style: chr4-169433685-C-T. GRCh37 (hg19) VCF-style: chr4-170354836-C-T.
Other names: c.2282-20G>A (NM_001374421.1); c.2630-20G>A (NM_001374420.1); c.2474-20G>A (NM_001199399.3); c.2633-20G>A (NM_001199398.3); c.2681-20G>A (NM_001374419.1, NM_012224.4); c.2549-20G>A (NM_001199400.3); c.2765-20G>A (NM_001374418.1).
Identifiers: ClinVar variation 95508 (VCV000095508.19), dbSNP rs7680152, ClinGen allele CA148574.